The following is an entry in ClinVar:

NM_001384732.1(CPLANE1):c.5216C>T (p.Thr1739Ile)

Gene: CPLANE1 (ciliogenesis and planar polarity effector complex subunit 1; minus strand). Cytogenetic location: 5p13.2.
Variant type: single nucleotide variant.
Coding change: c.5216C>T on transcript NM_001384732.1 (MANE Select); coding-DNA position 5216, C replaced by T.
Protein change: p.Thr1739Ile; replaces threonine 1739 with isoleucine.
Molecular consequence: missense variant.
Genome position (GRCh38, 1-based): chr5:37,182,965, G>A on the plus strand (C>T on the coding strand, the complement: CPLANE1 is on the minus strand). VCF-style: chr5-37182965-G-A. GRCh37 (hg19) VCF-style: chr5-37183067-G-A.
Other names: c.5216C>T, p.Thr1739Ile (NM_023073.4); short protein forms T1739I.
Identifiers: ClinVar variation 2121144 (VCV002121144.4), dbSNP rs1386961278, ClinGen allele CA359493203.

ClinVar aggregate classification (germline): Uncertain significance (1 of 4 stars; one submission).

Allele frequency attached by ClinVar (database versions not stated): TOPMed below 0.00001; gnomAD exomes 0.00001.
gnomAD v4.1: 15 of 1,606,728 alleles (0.00093%); highest among the groups gnomAD compares: Non-Finnish European, 0.0013%; no homozygotes.

Submission:

Labcorp Genetics (formerly Invitae), Labcorp
Classification: Uncertain significance. Last evaluated: 2022-09-13. Review status: criteria provided, single submitter. Criteria: Invitae Variant Classification Sherloc (09022015). Collection method: clinical testing. Allele origin: germline.
Comment: This sequence change replaces threonine, which is neutral and polar, with isoleucine, which is neutral and non-polar, at codon 1739 of the CPLANE1 protein (p.Thr1739Ile). This variant is present in population databases (no rsID available, gnomAD 0.0009%). This variant has not been reported in the literature in individuals affected with CPLANE1-related conditions. Advanced modeling of protein sequence and biophysical properties (such as structural, functional, and spatial information, amino acid conservation, physicochemical variation, residue mobility, and thermodynamic stability) performed at Invitae indicates that this missense variant is not expected to disrupt CPLANE1 protein function. In summary, the available evidence is currently insufficient to determine the role of this variant in disease. Therefore, it has been classified as a Variant of Uncertain Significance.